The following is an entry in ClinVar:

ClinVar aggregate classification (germline): Uncertain significance (1 of 4 stars; one submission).

Conditions:
Combined immunodeficiency due to LRBA deficiency. Also called: Common variable immunodeficiency 8, with autoimmunity. Identifiers: Orphanet 445018, MedGen C3553512, MONDO:0013863, OMIM 614700.

Submission:

Labcorp Genetics (formerly Invitae), Labcorp
Classification: Uncertain significance for Combined immunodeficiency due to LRBA deficiency. Last evaluated: 2020-02-27. Review status: criteria provided, single submitter. Criteria: Invitae Variant Classification Sherloc (09022015). Collection method: clinical testing. Allele origin: germline.
Comment: In summary, the available evidence is currently insufficient to determine the role of this variant in disease. Therefore, it has been classified as a Variant of Uncertain Significance. Algorithms developed to predict the effect of missense changes on protein structure and function output the following: SIFT: "Tolerated"; PolyPhen-2: "Benign"; Align-GVGD: "Class C0". The alanine amino acid residue is found in multiple mammalian species, suggesting that this missense change does not adversely affect protein function. These predictions have not been confirmed by published functional studies and their clinical significance is uncertain. This sequence change replaces proline with alanine at codon 27 of the LRBA protein (p.Pro27Ala). The proline residue is weakly conserved and there is a small physicochemical difference between proline and alanine. This variant is not present in population databases (ExAC no frequency). This variant has not been reported in the literature in individuals with LRBA-related conditions.

NM_001364905.1(LRBA):c.79C>G (p.Pro27Ala)

Gene: LRBA (LPS responsive beige-like anchor protein; minus strand). Cytogenetic location: 4q31.3.
Variant type: single nucleotide variant.
Coding change: c.79C>G on transcript NM_001364905.1 (MANE Select); coding-DNA position 79, C replaced by G.
Protein change: p.Pro27Ala; replaces proline 27 with alanine.
Molecular consequence: missense variant.
Genome position (GRCh38, 1-based): chr4:151,014,564, G>C on the plus strand (C>G on the coding strand, the complement: LRBA is on the minus strand). VCF-style: chr4-151014564-G-C. GRCh37 (hg19) VCF-style: chr4-151935716-G-C.
Other names: c.79C>G, p.Pro27Ala (NM_001199282.3, NM_001367550.1, NM_006726.5); short protein forms P27A.
Identifiers: ClinVar variation 1025433 (VCV001025433.8), dbSNP rs1745221619, ClinGen allele CA358611107.